The following is an entry in ClinVar:

ClinVar aggregate classification (germline): Pathogenic. Review status: criteria provided, multiple submitters, no conflicts (2 of 4 stars). 2 submissions from 2 submitters: Pathogenic (2). Last evaluated 2025-02-27.

Conditions:
Inborn genetic diseases. Identifiers: MedGen C0950123, MeSH D030342.

Submissions (2):

Ambry Genetics
Classification: Pathogenic for Inborn genetic diseases. Last evaluated: 2025-02-27. Review status: criteria provided, single submitter. Criteria: Ambry Variant Classification Scheme 2023. Collection method: clinical testing. Allele origin: germline.
Comment: The c.869C>G (p.S290*) alteration, located in exon 10 (coding exon 10) of the DDX3X gene, consists of a C to G substitution at nucleotide position 869. This changes the amino acid from a serine (S) to a stop codon at amino acid position 290. This alteration is expected to result in loss of function by premature protein truncation or nonsense-mediated mRNA decay. This variant was not reported in population-based cohorts in the Genome Aggregation Database (gnomAD). This variant was determined to be de novo in at least one female with features consistent with DDX3X-related neurodevelopmental disorder (Forbes, 2024). Based on the available evidence, this alteration is classified as pathogenic.

GeneDx
Classification: Pathogenic. Last evaluated: 2021-12-09. Review status: criteria provided, single submitter. Criteria: GeneDx Variant Classification Process June 2021. Collection method: clinical testing. Allele origin: germline. Affected: yes.
Comment: Nonsense variant predicted to result in protein truncation or nonsense mediated decay in a gene for which loss-of-function is a known mechanism of disease; Not observed at significant frequency in large population cohorts (Lek et al., 2016); Has not been previously published as pathogenic or benign to our knowledge

Literature cited by the submitters: PubMed 38421120 (cited by Ambry Genetics).

NM_001356.5(DDX3X):c.869C>G (p.Ser290Ter)

Gene: DDX3X (DEAD-box helicase 3 X-linked; plus strand). Cytogenetic location: Xp11.4.
Variant type: single nucleotide variant.
Coding change: c.869C>G on transcript NM_001356.5 (MANE Select); coding-DNA position 869, C replaced by G.
Protein change: p.Ser290Ter; replaces serine 290 with a stop codon.
Molecular consequence: nonsense. On other transcripts: non-coding transcript variant (1).
Genome position (GRCh38, 1-based): chrX:41,344,243, C>G. VCF-style: chrX-41344243-C-G. GRCh37 (hg19) VCF-style: chrX-41203496-C-G.
Other names: c.869C>G, p.Ser290Ter (NM_001193416.3); c.821C>G, p.Ser274Ter (NM_001193417.3); c.311C>G, p.Ser104Ter (NM_001363819.1); c.869C>G (NM_001356.3); short protein forms S290*, S274*, S104*.
Identifiers: ClinVar variation 504273 (VCV000504273.5), dbSNP rs1555953482, ClinGen allele CA412770585.